The following is an entry in ClinVar:

NM_001371904.1(APOA5):c.841G>A (p.Val281Met)

Gene: APOA5 (apolipoprotein A5; minus strand). Cytogenetic location: 11q23.3.
Variant type: single nucleotide variant.
Coding change: c.841G>A on transcript NM_001371904.1 (MANE Select); coding-DNA position 841, G replaced by A.
Protein change: p.Val281Met; replaces valine 281 with methionine.
Molecular consequence: missense variant.
Genome position (GRCh38, 1-based): chr11:116,790,388, C>T on the plus strand (G>A on the coding strand, the complement: APOA5 is on the minus strand). VCF-style: chr11-116790388-C-T. GRCh37 (hg19) VCF-style: chr11-116661104-C-T.
Other names: c.841G>A, p.Val281Met (NM_001166598.2, NM_052968.5); c.841G>A (NM_052968.4); short protein forms V281M.
Identifiers: ClinVar variation 3605881 (VCV003605881.3).

ClinVar aggregate classification (germline): Uncertain significance. Review status: criteria provided, multiple submitters, no conflicts (2 of 4 stars). 2 submissions from 2 submitters: Uncertain significance (2). Last evaluated 2025-08-23.

Conditions:
Cardiovascular phenotype. Identifiers: MedGen CN230736.

Submissions (2):

Ambry Genetics
Classification: Uncertain significance for Cardiovascular phenotype. Last evaluated: 2025-08-23. Review status: criteria provided, single submitter. Criteria: Ambry Variant Classification Scheme 2023. Collection method: clinical testing. Allele origin: germline.

Labcorp Genetics (formerly Invitae), Labcorp
Classification: Uncertain significance. Last evaluated: 2024-12-15. Review status: criteria provided, single submitter. Criteria: Invitae Variant Classification Sherloc (09022015). Collection method: clinical testing. Allele origin: germline.
Comment: This sequence change replaces valine, which is neutral and non-polar, with methionine, which is neutral and non-polar, at codon 281 of the APOA5 protein (p.Val281Met). This variant is present in population databases (rs142901239, gnomAD 0.007%). This missense change has been observed in individual(s) with dyslipidemia (PMID: 36325899). An algorithm developed to predict the effect of missense changes on protein structure and function (PolyPhen-2) suggests that this variant is likely to be disruptive. In summary, the available evidence is currently insufficient to determine the role of this variant in disease. Therefore, it has been classified as a Variant of Uncertain Significance.

Literature cited by the submitters: PubMed 36325899 (cited by Labcorp Genetics (formerly Invitae), Labcorp).